The following is an entry in ClinVar:

ClinVar aggregate classification (germline): Benign. Review status: criteria provided, multiple submitters, no conflicts (2 of 4 stars). 3 submissions from 3 submitters: Benign (3). Last evaluated 2026-02-02.

Conditions:
Ehlers-Danlos syndrome, dermatosparaxis type. Also called: Dermatosparaxis; Ehlers-Danlos syndrome, type VII, autosomal recessive; EDS VIIC. Identifiers: Orphanet 1901, MedGen C2700425, MONDO:0009161, OMIM 225410.

Allele frequency attached by ClinVar (database versions not stated): gnomAD exomes 0.00683; ExAC 0.01393; gnomAD 0.03128 and 0.03326; ESP Exome Variant Server 0.03233; TOPMed 0.03280; 1000 Genomes Project 0.03514; 1000 Genomes Project 30x 0.03748.
gnomAD v4.1: 9,192 of 1,553,660 alleles (0.59%); highest among the groups gnomAD compares: African/African-American, 11%; 484 homozygotes.

Submissions (3):

Labcorp Genetics (formerly Invitae), Labcorp
Classification: Benign for Ehlers-Danlos syndrome, dermatosparaxis type. Last evaluated: 2026-02-02. Review status: criteria provided, single submitter. Criteria: Invitae Variant Classification Sherloc (09022015). Collection method: clinical testing. Allele origin: germline.

Women's Health and Genetics/Laboratory Corporation of America, LabCorp
Classification: Benign. Last evaluated: 2026-01-22. Review status: criteria provided, single submitter. Criteria: LabCorp Variant Classification Summary - May 2015. Collection method: clinical testing. Allele origin: germline.

GeneDx
Classification: Benign. Last evaluated: 2016-10-14. Review status: criteria provided, single submitter. Criteria: GeneDx Variant Classification (06012015). Collection method: clinical testing. Allele origin: germline. Affected: yes.
Comment: This variant is considered likely benign or benign based on one or more of the following criteria: it is a conservative change, it occurs at a poorly conserved position in the protein, it is predicted to be benign by multiple in silico algorithms, and/or has population frequency not consistent with disease.

NM_014244.5(ADAMTS2):c.2959-16G>A

Gene: ADAMTS2 (ADAM metallopeptidase with thrombospondin type 1 motif 2; minus strand). Cytogenetic location: 5q35.3.
Variant type: single nucleotide variant.
Coding change: c.2959-16G>A on transcript NM_014244.5 (MANE Select); 16 bases into the intron before coding-DNA position 2959, G replaced by A.
Molecular consequence: intron variant.
Genome position (GRCh38, 1-based): chr5:179,122,789, C>T on the plus strand (G>A on the coding strand, the complement: ADAMTS2 is on the minus strand). VCF-style: chr5-179122789-C-T. GRCh37 (hg19) VCF-style: chr5-178549790-C-T.
Identifiers: ClinVar variation 386318 (VCV000386318.10), dbSNP rs6863024, ClinGen allele CA3595347.